The following is an entry in ClinVar:

ClinVar aggregate classification (germline): Uncertain significance (1 of 4 stars; one submission).

Submission:

GeneDx
Classification: Uncertain significance. Last evaluated: 2022-07-22. Review status: criteria provided, single submitter. Criteria: GeneDx Variant Classification Process June 2021. Collection method: clinical testing. Allele origin: germline. Affected: yes.
Comment: Not observed at significant frequency in large population cohorts (gnomAD); In silico analysis supports that this variant does not alter splicing; Has not been previously published as pathogenic or benign to our knowledge

NM_006015.6(ARID1A):c.5922G>A (p.Gln1974=)

Gene: ARID1A (AT-rich interaction domain 1A; plus strand). Cytogenetic location: 1p36.11.
Variant type: single nucleotide variant.
Coding change: c.5922G>A on transcript NM_006015.6 (MANE Select); coding-DNA position 5922, G replaced by A.
Protein change: p.Gln1974=; no amino-acid change (glutamine 1974 retained).
Molecular consequence: synonymous variant.
Genome position (GRCh38, 1-based): chr1:26,779,820, G>A. VCF-style: chr1-26779820-G-A. GRCh37 (hg19) VCF-style: chr1-27106311-G-A.
Other names: c.5271G>A, p.Gln1757= (NM_139135.4).
Identifiers: ClinVar variation 2136281 (VCV002136281.1), dbSNP rs2522046103, ClinGen allele CA416968841.